The following is an entry in ClinVar:

ClinVar aggregate classification (germline): Benign. Review status: criteria provided, multiple submitters, no conflicts (2 of 4 stars). 4 submissions from 4 submitters: Benign (3). 1 of the submissions does not count toward it. Last evaluated 2024-07-16.

Conditions:
Neurodevelopmental disorder with hypotonia, seizures, and absent language (NDHSAL). Identifiers: MedGen C4310643, MONDO:0014995, OMIM 617268.
HECW2-related disorder. Also called: HECW2-related condition.

Allele frequency attached by ClinVar (database versions not stated): ExAC 0.00323; 1000 Genomes Project 0.01458; 1000 Genomes Project 30x 0.01515; TOPMed 0.01003; gnomAD 0.01016; ESP Exome Variant Server 0.01138.
gnomAD v4.1: 2,736 of 1,611,450 alleles (0.17%); highest among the groups gnomAD compares: African/African-American, 3.4%; 43 homozygotes.

Submissions (4):

ARUP Laboratories, Molecular Genetics and Genomics, ARUP Laboratories
Classification: Benign for Neurodevelopmental disorder with hypotonia, seizures, and absent language. Last evaluated: 2024-07-16. Review status: criteria provided, single submitter. Criteria: ARUP Molecular Germline Variant Investigation Process 2024. Collection method: clinical testing. Allele origin: germline.

Labcorp Genetics (formerly Invitae), Labcorp
Classification: Benign. Last evaluated: 2018-10-24. Review status: criteria provided, single submitter. Criteria: Invitae Variant Classification Sherloc (09022015). Collection method: clinical testing. Allele origin: germline.

Breakthrough Genomics
Classification: Benign. Review status: criteria provided, single submitter. Criteria: ACMG Guidelines, 2015. Collection method: not provided. Allele origin: germline. Inheritance: Autosomal dominant inheritance. Affected: yes.

PreventionGenetics, part of Exact Sciences
Classification: Benign for HECW2-related condition. Last evaluated: 2024-05-15. Review status: no assertion criteria provided. Collection method: clinical testing. Allele origin: germline. Not counted in ClinVar's aggregate classification.
Comment: This variant is classified as benign based on ACMG/AMP sequence variant interpretation guidelines (Richards et al. 2015 PMID: 25741868, with internal and published modifications).

NM_001348768.2(HECW2):c.2698C>A (p.Arg900=)

Gene: HECW2 (HECT, C2 and WW domain containing E3 ubiquitin protein ligase 2; minus strand). Cytogenetic location: 2q32.3.
Variant type: single nucleotide variant.
Coding change: c.2698C>A on transcript NM_001348768.2 (MANE Select); coding-DNA position 2698, C replaced by A.
Protein change: p.Arg900=; no amino-acid change (arginine 900 retained).
Molecular consequence: synonymous variant.
Genome position (GRCh38, 1-based): chr2:196,306,604, G>T on the plus strand (C>A on the coding strand, the complement: HECW2 is on the minus strand). VCF-style: chr2-196306604-G-T. GRCh37 (hg19) VCF-style: chr2-197171328-G-T.
Other names: c.1630C>A, p.Arg544= (NM_001304840.3); c.2698C>A, p.Arg900= (NM_020760.4).
Identifiers: ClinVar variation 784459 (VCV000784459.6), dbSNP rs6729934, ClinGen allele CA2037992.
Genomic context (GRCh38, chr2:196,306,604, plus strand): 5'-GAGACTGTAACAGCAACGTGATCCTGGATCTGGAGGTAGAGTGAGGCAGGATGTTCTCCC[G>T]TCGGAAATCTAGATGGGGCAGACCACAGAGGCGGTCAGGGAAATCTTTCTATGATGTGAA-3'
Protein context (NP_001335697.1, residues 890-910): DFHQASADFR[Arg900=]ENILPHSTSR